The following is an entry in ClinVar:

NM_001205293.3(CACNA1E):c.2471C>T (p.Pro824Leu)

Gene: CACNA1E (calcium voltage-gated channel subunit alpha1 E; plus strand). Cytogenetic location: 1q25.3.
Variant type: single nucleotide variant.
Coding change: c.2471C>T on transcript NM_001205293.3 (MANE Select); coding-DNA position 2471, C replaced by T.
Protein change: p.Pro824Leu; replaces proline 824 with leucine.
Molecular consequence: missense variant.
Genome position (GRCh38, 1-based): chr1:181,732,557, C>T. VCF-style: chr1-181732557-C-T. GRCh37 (hg19) VCF-style: chr1-181701693-C-T.
Other names: c.2471C>T, p.Pro824Leu (NM_000721.4); c.2414C>T, p.Pro805Leu (NM_001205294.2); short protein forms P805L, P824L.
Identifiers: ClinVar variation 1718661 (VCV001718661.5), dbSNP rs2528694554, ClinGen allele CA343617423.

ClinVar aggregate classification (germline): Uncertain significance (1 of 4 stars; one submission).

Submission:

Labcorp Genetics (formerly Invitae), Labcorp
Classification: Uncertain significance. Last evaluated: 2022-07-14. Review status: criteria provided, single submitter. Criteria: Invitae Variant Classification Sherloc (09022015). Collection method: clinical testing. Allele origin: germline.
Comment: This variant has not been reported in the literature in individuals affected with CACNA1E-related conditions. In summary, the available evidence is currently insufficient to determine the role of this variant in disease. Therefore, it has been classified as a Variant of Uncertain Significance. Advanced modeling of protein sequence and biophysical properties (such as structural, functional, and spatial information, amino acid conservation, physicochemical variation, residue mobility, and thermodynamic stability) performed at Invitae indicates that this missense variant is not expected to disrupt CACNA1E protein function. This variant is not present in population databases (gnomAD no frequency). This sequence change replaces proline, which is neutral and non-polar, with leucine, which is neutral and non-polar, at codon 824 of the CACNA1E protein (p.Pro824Leu).